The following is an entry in ClinVar:

NM_000152.5(GAA):c.2407_2413del (p.Gly802_Gln803insTer)

Gene: GAA (alpha glucosidase; plus strand). Cytogenetic location: 17q25.3.
Variant type: Deletion.
Coding change: c.2407_2413del on transcript NM_000152.5 (MANE Select); coding-DNA positions 2407 to 2413, 7 bases deleted (CAGTGGG; older notation c.2407_2413delCAGTGGG).
Protein change: p.Gly802_Gln803insTer.
Molecular consequence: nonsense.
Genome position (GRCh38, 1-based): chr17:80,117,675-80,117,681, CAGTGGG deleted; deleting any 7 consecutive bases within chr17:80,117,672-80,117,681 gives the same sequence; the c. name uses the placement nearest the transcript's 3' end. VCF-style (leftmost placement, unchanged base first): chr17-80117671-GGGGCAGT-G. GRCh37 (hg19) VCF-style: chr17-78091470-GGGGCAGT-G.
Other names: c.2407_2413del, p.Gly802_Gln803insTer (NM_001079803.3, NM_001079804.3, NM_001406741.1 and 1 more transcripts).
Identifiers: ClinVar variation 4876658 (VCV004876658.1).

ClinVar aggregate classification (germline): Pathogenic (1 of 4 stars; one submission).

Conditions:
Glycogen storage disease, type II (IOPD). Also called: Pompe Disease; CARDIOMEGALIA GLYCOGENICA DIFFUSA; GLYCOGENOSIS, GENERALIZED, CARDIAC FORM; GSD II; POMPE DISEASE, INFANTILE-ONSET; GLYCOGEN STORAGE DISEASE II, INFANTILE-ONSET. Identifiers: Orphanet 365, MedGen C0017921, MONDO:0009290, OMIM 232300.

Submission:

Genomenon, Inc
Classification: Pathogenic for Glycogen storage disease, type II. Last evaluated: 2026-07-01. Review status: criteria provided, single submitter. Criteria: Genomenon Sequence Variant Interpretation Standards - Updated. Collection method: curation. Allele origin: germline. Affected: yes.
Comment: GAA p.Gln803Ter (c.2407_2413del) is a nonsense variant that introduces a premature stop codon at amino acid position 803 and is predicted to result in a truncated or absent protein product. This variant has been observed in at least one proband with a GAA-related disorder (PMID:23884227;25213570). It is absent or not present at a significant frequency in gnomAD. In conclusion, we classify GAA p.Gln803Ter (c.2407_2413del) as a pathogenic variant.

Literature cited by the submitters: PubMed 23884227; PubMed 25213570.